The following is an entry in ClinVar:

NM_000090.4(COL3A1):c.3256-6C>T

Gene: COL3A1 (collagen type III alpha 1 chain; plus strand). Cytogenetic location: 2q32.2.
Variant type: single nucleotide variant.
Coding change: c.3256-6C>T on transcript NM_000090.4 (MANE Select); 6 bases into the intron before coding-DNA position 3256, C replaced by T.
Molecular consequence: intron variant.
Genome position (GRCh38, 1-based): chr2:189,007,494, C>T. VCF-style: chr2-189007494-C-T. GRCh37 (hg19) VCF-style: chr2-189872220-C-T.
Identifiers: ClinVar variation 3069323 (VCV003069323.1), dbSNP rs1688619648, ClinGen allele CA1315404791.
Genomic context (GRCh38, chr2:189,007,494, plus strand): 5'-AATTCTATTTTATTTTTCCAATATGTATGTGTGTATATGACTTCAATTCAAAATATGTTT[C>T]TAAAGGGTCCTCAAGGCCCACGTGGTGACAAAGGTGAAACAGGTGAACGTGGAGCTGCTG-3'

ClinVar aggregate classification (germline): Likely benign (1 of 4 stars; one submission).

Conditions:
Ehlers-Danlos syndrome, type 4 (EDSVASC). Also called: Ehlers-Danlos Syndrome Type IV; Ehlers-Danlos syndrome vascular type; Ehlers Danlos syndrome, ecchymotic type; Ehlers Danlos syndrome, arterial type; Ehlers Danlos syndrome, Sack-Barabas type. Identifiers: Orphanet 286, MedGen C0268338, MONDO:0017314, OMIM 130050.

Allele frequency attached by ClinVar (database versions not stated): TOPMed below 0.00001.

Submission:

All of Us Research Program, National Institutes of Health
Classification: Likely benign for Ehlers-Danlos syndrome, type 4. Last evaluated: 2023-10-27. Review status: criteria provided, single submitter. Criteria: ACMG Guidelines, 2015. Collection method: clinical testing. Allele origin: germline. Inheritance: Autosomal dominant inheritance. Observed: 4 variant alleles, 4 heterozygotes.
Comment: This study involves interpretation of variants in research participants for the purpose of population health screening. Participant phenotype was not available at the time of variant classification. Additional details can be found in publication PMID: 35346344, PMCID: PMC8962531